The following is an entry in ClinVar:

NM_001018115.3(FANCD2):c.4297G>A (p.Glu1433Lys)

Genes: FANCD2 (FA complementation group D2; plus strand), FANCD2OS (FANCD2 opposite strand; minus strand). Cytogenetic location: 3p25.3.
Variant type: single nucleotide variant.
Coding change: c.4297G>A on transcript NM_001018115.3 (MANE Select); coding-DNA position 4297, G replaced by A.
Protein change: p.Glu1433Lys; replaces glutamic acid 1433 with lysine.
Molecular consequence: missense variant. On other transcripts: intron variant (1).
Genome position (GRCh38, 1-based): chr3:10,101,203, G>A. VCF-style: chr3-10101203-G-A. GRCh37 (hg19) VCF-style: chr3-10142887-G-A.
Other names: c.4297G>A, p.Glu1433Lys (NM_001319984.2); c.4186G>A, p.Glu1396Lys (NM_001374253.1); c.*43+2995C>T (NM_173472.2); short protein forms E1396K, E1433K.
Identifiers: ClinVar variation 1692538 (VCV001692538.3), dbSNP rs755911397, ClinGen allele CA2250714.

ClinVar aggregate classification (germline): Uncertain significance. Review status: criteria provided, multiple submitters, no conflicts (2 of 4 stars). 3 submissions from 3 submitters: Uncertain significance (3). Last evaluated 2024-04-22.

Conditions:
Fanconi anemia (FA). Also called: Fanconi's anemia. Identifiers: Orphanet 84, MedGen C0015625, MeSH D005199, MONDO:0019391.
Fanconi anemia complementation group D2. Also called: FANCD2-Related Fanconi Anemia; FANCONI PANCYTOPENIA, TYPE 4; FANCONI ANEMIA, COMPLEMENTATION GROUP D. Identifiers: Orphanet 84, MedGen C3160738, MONDO:0009214, OMIM 227646.

Allele frequency attached by ClinVar (database versions not stated): gnomAD 0.00001; gnomAD exomes 0.00001; ExAC 0.00001.
gnomAD v4.1: 12 of 1,612,878 alleles (0.00074%); highest among the groups gnomAD compares: South Asian, 0.0022%; no homozygotes.

Submissions (3):

ARUP Laboratories, Molecular Genetics and Genomics, ARUP Laboratories
Classification: Uncertain significance for Fanconi anemia complementation group D2. Last evaluated: 2024-04-22. Review status: criteria provided, single submitter. Criteria: ARUP Molecular Germline Variant Investigation Process 2024. Collection method: clinical testing. Allele origin: germline.

Fulgent Genetics
Classification: Uncertain significance for Fanconi anemia complementation group D2. Last evaluated: 2022-02-01. Review status: criteria provided, single submitter. Criteria: ACMG Guidelines, 2015. Collection method: clinical testing. Allele origin: unknown.

Sema4
Classification: Uncertain significance for Fanconi anemia. Last evaluated: 2021-05-03. Review status: criteria provided, single submitter. Criteria: Sema4 Curation Guidelines. Collection method: curation. Allele origin: germline.
Comment: The FANCD2 c.4297G>A (p.E1433K) variant has not been reported in the literature to our knowledge. It was observed in 1/30616 chromosomes in the South Asian subpopulation in the large and broad cohorts of the Genome Aggregation Database (PMID: 32461654). The variant has not been reported in ClinVar. In silico tools suggest the impact of the variant on protein function is benign, though these predictions have not been confirmed by functional studies. The evidence is insufficient to meet ACMG/AMP criteria for classifying the variant as benign or pathogenic. Thus, the clinical significance of this variant is currently uncertain.